The following is an entry in ClinVar:

NM_015335.5(MED13L):c.3801T>A (p.Asp1267Glu)

Gene: MED13L (mediator complex subunit 13L; minus strand). Cytogenetic location: 12q24.21.
Variant type: single nucleotide variant.
Coding change: c.3801T>A on transcript NM_015335.5 (MANE Select); coding-DNA position 3801, T replaced by A.
Protein change: p.Asp1267Glu; replaces aspartic acid 1267 with glutamic acid.
Molecular consequence: missense variant.
Genome position (GRCh38, 1-based): chr12:115,991,153, A>T on the plus strand (T>A on the coding strand, the complement: MED13L is on the minus strand). VCF-style: chr12-115991153-A-T. GRCh37 (hg19) VCF-style: chr12-116428958-A-T.
Other names: c.3801T>A (NM_015335.4); short protein forms D1267E.
Identifiers: ClinVar variation 1955677 (VCV001955677.9), dbSNP rs901597725, ClinGen allele CA244149639.

ClinVar aggregate classification (germline): Likely benign. Review status: criteria provided, multiple submitters, no conflicts (2 of 4 stars). 3 submissions from 3 submitters: Likely benign (3). Last evaluated 2026-04-01.

Conditions:
Inborn genetic diseases. Identifiers: MedGen C0950123, MeSH D030342.
Dextro-looped transposition of the great arteries. Also called: Dextrotransposition of the great arteries. Identifiers: Orphanet 860, MedGen C3531771, MONDO:0019443, OMIM 608808, HP:0031348.

Allele frequency attached by ClinVar (database versions not stated): TOPMed 0.00002; gnomAD 0.00003.
gnomAD v4.1: 34 of 1,614,082 alleles (0.0021%); highest among the groups gnomAD compares: Middle Eastern, 0.066%; no homozygotes.

Submissions (3):

CeGaT Center for Human Genetics Tuebingen
Classification: Likely benign. Last evaluated: 2026-04-01. Review status: criteria provided, single submitter. Criteria: CeGaT Center For Human Genetics Tuebingen Variant Classification Criteria Version 2. Collection method: clinical testing. Allele origin: germline. Affected: yes. Observed: 1 variant allele.
Comment: MED13L: BS2

Labcorp Genetics (formerly Invitae), Labcorp
Classification: Likely benign for Dextro-looped transposition of the great arteries. Last evaluated: 2024-09-05. Review status: criteria provided, single submitter. Criteria: Invitae Variant Classification Sherloc (09022015). Collection method: clinical testing. Allele origin: germline.

Ambry Genetics
Classification: Likely benign for Inborn genetic diseases. Last evaluated: 2023-06-06. Review status: criteria provided, single submitter. Criteria: Ambry Variant Classification Scheme 2023. Collection method: clinical testing. Allele origin: germline.